The following is an entry in ClinVar:

NM_000219.6(KCNE1):c.18C>T (p.Thr6=)

Gene: KCNE1 (potassium voltage-gated channel subfamily E regulatory subunit 1; minus strand). Cytogenetic location: 21q22.12.
Variant type: single nucleotide variant.
Coding change: c.18C>T on transcript NM_000219.6 (MANE Select); coding-DNA position 18, C replaced by T.
Protein change: p.Thr6=; no amino-acid change (threonine 6 retained).
Molecular consequence: synonymous variant.
Genome position (GRCh38, 1-based): chr21:34,449,617, G>A on the plus strand (C>T on the coding strand, the complement: KCNE1 is on the minus strand). VCF-style: chr21-34449617-G-A. GRCh37 (hg19) VCF-style: chr21-35821915-G-A.
Other names: c.18C>T, p.Thr6= (NM_001127668.4, NM_001127669.4, NM_001127670.4 and 4 more transcripts).
Identifiers: ClinVar variation 3374269 (VCV003374269.2).
Genomic context (GRCh38, chr21:34,449,617, plus strand): 5'-GTTGCCACCCTGCTGAACTGTCTCCTGCCACAGCTTGGTCAGAAAGGGCGTCACCGCTGT[G>A]GTGTTAGACAGGATCATCCTGGGCATTAAGGTTCCACTGCTGCAGCTCAAACTTCCCAGG-3'
Protein context (NP_000210.2, residues 1-16): MILSN[Thr6=]TAVTPFLTKL

Conditions:
Long QT syndrome 5 (LQT5). Identifiers: Orphanet 101016, Orphanet 768, MedGen C1867904, MONDO:0013372, OMIM 613695.

Submission:

Roden Lab, Vanderbilt University Medical Center
No classification provided (evidence only). Condition: Long QT syndrome 5. Review status: no classification provided. Collection method: in vitro. Allele origin: not applicable. Functional consequence: Effect on ion channel function.
ClinVar note: "not provided" was previously submitted as the classification for the variant. However, the classification appeared to be based only on an observation of functional data so it was converted to no classification on 2025-07-30.